The following is an entry in ClinVar:

ClinVar aggregate classification (germline): Pathogenic (0 of 4 stars; one submission).

Conditions:
Hearing loss, autosomal recessive. Also called: Autosomal recessive nonsyndromic deafness; Deafness, autosomal recessive; Rare autosomal recessive non-syndromic sensorineural deafness type DFNB; Nonsyndromic Hearing Loss, Recessive. Identifiers: Orphanet 90635, Orphanet 90636, MedGen C1846647, MONDO:0019588, OMIM 607197.

Submission:

Human Genetics Research Lab, Central University of Jammu
Classification: Pathogenic for Hearing loss, autosomal recessive. Last evaluated: 2021-07-29. Review status: no assertion criteria provided. Collection method: research. Allele origin: germline. Inheritance: Autosomal recessive inheritance. Affected: yes. Observed: 1 variant allele, 1 homozygote.
Comment: The variation was found in an extended family from Jammu and Kashmir-Pralkot village by our group inpatients suffering from Non Syndromic Hearing loss(NSHL)and segregating with the disease. Variation in same gene OTOA were reported in literature associated with NSHL(OMIM 607038). Zwaenepoel et al. (2002) identified a T-to-C transition at the exon 12/intron 12 junction of the OTOA gene(607038.0001) in the homozygous state in 1 affected child of this family. In affected members of 3 consanguineous Pakistani families with DFNB22, Lee et al. (2013) identified 2different homozygous missense mutations in the OTOA gene(G451D, 607038.0003 and P627S, 608038.0004). In a large consanguineous Palestinian family, Zwaenepoel et al. (2002)found that moderate to severe prelingual sensorineural recessive deafness (DFNB22; 607039) segregated with a mutation in the OTOA gene, a T-to-C transition at the exon12/intron 12 junction in the homozygous state. In affected sibs from a consanguineous Palestinian family with autosomal recessive prelingual deafness (DFNB22; 607039), Shahin et al.(2010) identified a homozygous 500-kb deletion that resulted incomplete deletion of the OTOA gene. In 4 members of a large consanguineous Pakistani family with DFNB22 (607039), Lee et al. (2013) identified a homozygous c.1352G-A transition in the OTOA gene, resulting in a gly451-to-asp (G451D)substitution at a highly conserved residue within a buried alpha-helical segment.

NM_144672.4(OTOA):c.346C>T (p.Gln116Ter)

Gene: OTOA (otoancorin). Cytogenetic location: 16p12.2.
Variant type: single nucleotide variant.
Coding change: c.346C>T on transcript NM_144672.4 (MANE Select); coding-DNA position 346, C replaced by T.
Protein change: p.Gln116Ter; replaces glutamine 116 with a stop codon.
Molecular consequence: nonsense.
Genome position (GRCh38, 1-based): chr16:21,685,308, C>T. VCF-style: chr16-21685308-C-T. GRCh37 (hg19) VCF-style: chr16-21696629-C-T.
Other names: c.109C>T, p.Gln37Ter (NM_001161683.2); short protein forms Q116*, Q37*.
Identifiers: ClinVar variation 1192296 (VCV001192296.3), dbSNP rs2141658932, ClinGen allele CA395053725.
Genomic context (GRCh38, chr16:21,685,308, plus strand): 5'-CTGGAGCAGCGTCTGCACCAGCCCCAGAAGCTGCTGGAGGACCTGAGGAAGACAGACGCC[C>T]AGCAGTTCCGCACTGCCATGAAATGCCTCTTAGAAGACAAGAAGGACGGCTTGGTGAGGA-3'